The following is an entry in ClinVar:

ClinVar aggregate classification (germline): Uncertain significance (1 of 4 stars; one submission).

Conditions:
CYP4V2-related disorder. Also called: CYP4V2-related disorders; CYP4V2-related condition.

Submission:

PreventionGenetics, part of Exact Sciences
Classification: Uncertain significance for CYP4V2-related condition. Last evaluated: 2026-07-27. Review status: criteria provided, single submitter. Criteria: ACMG Guidelines, 2015. Collection method: clinical testing. Allele origin: germline.
Comment: The CYP4V2 c.1091-9T>G variant is predicted to interfere with splicing. To our knowledge, this variant has not been reported in the literature. This variant is reported in 0.0018% of alleles in individuals of European (Non-Finnish) descent in gnomAD. At this time, the clinical significance of this variant is uncertain due to the absence of conclusive functional and genetic evidence.

NM_207352.4(CYP4V2):c.1091-9T>G

Gene: CYP4V2 (cytochrome P450 family 4 subfamily V member 2; plus strand). Cytogenetic location: 4q35.2.
Variant type: single nucleotide variant.
Coding change: c.1091-9T>G on transcript NM_207352.4 (MANE Select); 9 bases into the intron before coding-DNA position 1091, T replaced by G.
Molecular consequence: intron variant.
Genome position (GRCh38, 1-based): chr4:186,208,856, T>G. VCF-style: chr4-186208856-T-G. GRCh37 (hg19) VCF-style: chr4-187130010-T-G.
Identifiers: ClinVar variation 5001171 (VCV005001171.1).
Genomic context (GRCh38, chr4:186,208,856, plus strand): 5'-CTTTTTAGATGTCTGCACCCCCAGCCCCCACTGCTCTTTCAGGTCATCTTATCTACTTGC[T>G]TTCATCAGGGAAGTCTGACCGTCCCGCTACAGTAGAAGACCTGAAGAAACTTCGGTATCT-3'